The following is an entry in ClinVar:

ClinVar aggregate classification (germline): Uncertain significance (1 of 4 stars; one submission).

Submission:

GeneDx
Classification: Uncertain significance. Last evaluated: 2024-09-10. Review status: criteria provided, single submitter. Criteria: GeneDx Variant Classification Process June 2021. Collection method: clinical testing. Allele origin: germline. Affected: yes.
Comment: Frameshift variant predicted to result in abnormal protein length as the last 18 amino acid(s) are replaced with 16 different amino acid(s); Not observed at significant frequency in large population cohorts (gnomAD); Has not been previously published as pathogenic or benign to our knowledge

NM_019842.4(KCNQ5):c.2743del (p.Cys915fs)

Gene: KCNQ5 (potassium voltage-gated channel subfamily Q member 5; plus strand). Cytogenetic location: 6q13.
Variant type: Deletion.
Coding change: c.2743del on transcript NM_019842.4 (MANE Select); coding-DNA position 2743, one base deleted (T; older notation c.2743delT).
Protein change: p.Cys915fs; shifts the reading frame from cysteine 915.
Molecular consequence: frameshift variant.
Genome position (GRCh38, 1-based): chr6:73,195,358, T deleted; the last of 3 consecutive T bases (chr6:73,195,356-73,195,358); deleting any one gives the same sequence. VCF-style (leftmost placement, unchanged base first): chr6-73195355-AT-A. GRCh37 (hg19) VCF-style: chr6-73905078-AT-A.
Other names: c.2716del, p.Cys906fs (NM_001160130.2); c.2773del, p.Cys925fs (NM_001160132.2); c.2800del, p.Cys934fs (NM_001160133.2); c.2413del, p.Cys805fs (NM_001160134.2); short protein forms C805fs, C906fs, C915fs, C925fs, C934fs.
Identifiers: ClinVar variation 3767551 (VCV003767551.1).